The following is an entry in ClinVar:

ClinVar aggregate classification (germline): Uncertain significance (1 of 4 stars; one submission).

Conditions:
Long QT syndrome (LQTS). Identifiers: MedGen C0023976, MeSH D008133, MONDO:0002442. Disease mechanism: loss of function. Inheritance: Various modes of inheritance.

Submission:

All of Us Research Program, National Institutes of Health
Classification: Uncertain significance for Long QT syndrome. Last evaluated: 2024-09-24. Review status: criteria provided, single submitter. Criteria: ACMG Guidelines, 2015. Collection method: clinical testing. Allele origin: germline. Inheritance: Autosomal dominant inheritance. Observed: 1 variant allele, 1 heterozygote.
Comment: This study involves interpretation of variants in research participants for the purpose of population health screening. Participant phenotype was not available at the time of variant classification. Additional details can be found in publication PMID: 35346344, PMCID: PMC8962531

NM_000238.4(KCNH2):c.2360T>G (p.Ile787Ser)

Gene: KCNH2 (potassium voltage-gated channel subfamily H member 2; minus strand). Cytogenetic location: 7q36.1.
Variant type: single nucleotide variant.
Coding change: c.2360T>G on transcript NM_000238.4 (MANE Select); coding-DNA position 2360, T replaced by G.
Protein change: p.Ile787Ser; replaces isoleucine 787 with serine.
Molecular consequence: missense variant. On other transcripts: non-coding transcript variant (2).
Genome position (GRCh38, 1-based): chr7:150,950,206, A>C on the plus strand (T>G on the coding strand, the complement: KCNH2 is on the minus strand). VCF-style: chr7-150950206-A-C. GRCh37 (hg19) VCF-style: chr7-150647294-A-C.
Other names: c.1340T>G, p.Ile447Ser (NM_001204798.2, NM_172057.3); c.2072T>G, p.Ile691Ser (NM_001406753.1, NM_001406756.1); c.2183T>G, p.Ile728Ser (NM_001406755.1); c.2060T>G, p.Ile687Ser (NM_001406757.1); c.2360T>G, p.Ile787Ser (NM_172056.3); short protein forms I447S, I687S, I691S, I728S, I787S.
Identifiers: ClinVar variation 3386893 (VCV003386893.1).